The following is an entry in ClinVar:

NM_015662.3(IFT172):c.4005T>G (p.Val1335=)

Gene: IFT172 (intraflagellar transport 172; minus strand). Cytogenetic location: 2p23.3.
Variant type: single nucleotide variant.
Coding change: c.4005T>G on transcript NM_015662.3 (MANE Select); coding-DNA position 4005, T replaced by G.
Protein change: p.Val1335=; no amino-acid change (valine 1335 retained).
Molecular consequence: synonymous variant.
Genome position (GRCh38, 1-based): chr2:27,450,043, A>C on the plus strand (T>G on the coding strand, the complement: IFT172 is on the minus strand). VCF-style: chr2-27450043-A-C. GRCh37 (hg19) VCF-style: chr2-27672910-A-C.
Other names: c.3939T>G, p.Val1313= (NM_001410739.1).
Identifiers: ClinVar variation 3771499 (VCV003771499.13).
Genomic context (GRCh38, chr2:27,450,043, plus strand): 5'-CAGCATCCTACTTACTGCACTGTGCTTTCCAATTCCAATCAGCTGGGGTCCTACAGCCAG[A>C]ACGACTTCCATATTACGTTGGGGAGGCAGAAACTTGATGGAGAGTTCAGCTGCCTGAGTG-3'
Protein context (NP_056477.1, residues 1325-1345): FLPPQRNMEV[Val1335=]LAVGPQLIGI

ClinVar aggregate classification (germline): Likely benign (1 of 4 stars; one submission).

gnomAD v4.1: 1 of 1,614,170 alleles (0.000062%); highest among the groups gnomAD compares: African/African-American, 0.0013%; no homozygotes.

Submission:

CeGaT Center for Human Genetics Tuebingen
Classification: Likely benign. Last evaluated: 2025-01-01. Review status: criteria provided, single submitter. Criteria: CeGaT Center For Human Genetics Tuebingen Variant Classification Criteria Version 2. Collection method: clinical testing. Allele origin: germline. Affected: yes. Observed: 1 variant allele.
Comment: IFT172: BP4, BP7